The following is an entry in ClinVar:

NM_002691.4(POLD1):c.1384-1G>A

Gene: POLD1 (DNA polymerase delta 1, catalytic subunit; plus strand). Cytogenetic location: 19q13.33.
Variant type: single nucleotide variant.
Coding change: c.1384-1G>A on transcript NM_002691.4 (MANE Select); the canonical splice acceptor site of the intron before coding-DNA position 1384, G replaced by A.
Molecular consequence: splice acceptor variant.
Genome position (GRCh38, 1-based): chr19:50,406,406, G>A. VCF-style: chr19-50406406-G-A. GRCh37 (hg19) VCF-style: chr19-50909663-G-A.
Other names: c.1384-1G>A (NM_001256849.1, NM_001438212.1, NM_001438213.1 and 3 more transcripts).
Identifiers: ClinVar variation 4733868 (VCV004733868.1).

ClinVar aggregate classification (germline): Uncertain significance (1 of 4 stars; one submission).

Conditions:
POLD1-related polyposis and colorectal cancer syndrome (CRCS10). Also called: COLORECTAL CANCER, SUSCEPTIBILITY TO, ON CHROMOSOME 19q; Colorectal cancer 10; Colorectal cancer, susceptibility to, 10. Identifiers: Orphanet 220460, MedGen C2675481, MONDO:0012953, OMIM 612591.

gnomAD v4.1: 1 of 1,604,718 alleles (0.000062%); highest among the groups gnomAD compares: African/African-American, 0.0013%; no homozygotes.

Submission:

Labcorp Genetics (formerly Invitae), Labcorp
Classification: Uncertain significance for POLD1-related polyposis and colorectal cancer syndrome. Last evaluated: 2025-12-22. Review status: criteria provided, single submitter. Criteria: Invitae Variant Classification Sherloc (09022015). Collection method: clinical testing. Allele origin: germline.
Comment: This sequence change affects an acceptor splice site in intron 11 of the POLD1 gene. Missense variants that disrupt the 3'-5' exonuclease (proof-reading) activity of the POLD1 protein are associated with PPAP (polymerase proofreading–associated polyposis) (PMID: 23263490, 23447401). However, loss-of-function variants that result in an absent or severely disrupted POLD1 protein, and missense variants outside the exonuclease domain, are unlikely to be associated with PPAP. The frequency data for this variant in the population databases is considered unreliable, as metrics indicate poor data quality at this position in the gnomAD database. This variant has not been reported in the literature in individuals affected with POLD1-related conditions. Algorithms developed to predict the effect of sequence changes on RNA splicing suggest that this variant may disrupt the consensus splice site. In summary, the available evidence is currently insufficient to determine the role of this variant in disease. Therefore, it has been classified as a Variant of Uncertain Significance.

Literature cited by the submitters: PubMed 23263490; PubMed 23447401.